The following is an entry in ClinVar:

NM_001267550.2(TTN):c.102575C>T (p.Ala34192Val)

Genes: TTN (titin; minus strand), TTN-AS1 (TTN antisense RNA 1; plus strand). Cytogenetic location: 2q31.2.
Variant type: single nucleotide variant.
Coding change: c.102575C>T on transcript NM_001267550.2 (MANE Select); coding-DNA position 102575, C replaced by T.
Protein change: p.Ala34192Val; replaces alanine 34192 with valine.
Molecular consequence: missense variant.
Genome position (GRCh38, 1-based): chr2:178,534,040, G>A on the plus strand (C>T on the coding strand, the complement: TTN is on the minus strand). VCF-style: chr2-178534040-G-A. GRCh37 (hg19) VCF-style: chr2-179398767-G-A.
Other names: c.97652C>T, p.Ala32551Val (NM_001256850.1); c.75380C>T, p.Ala25127Val (NM_003319.4); c.94871C>T, p.Ala31624Val (NM_133378.4); c.75755C>T, p.Ala25252Val (NM_133432.3); c.75956C>T, p.Ala25319Val (NM_133437.4); short protein forms A25127V, A25252V, A25319V, A31624V, A32551V, A34192V.
Identifiers: ClinVar variation 1017800 (VCV001017800.7), dbSNP rs1690350047, ClinGen allele CA349417229.

ClinVar aggregate classification (germline): Uncertain significance (1 of 4 stars; one submission).

Conditions:
Dilated cardiomyopathy 1G (CMD1G). Identifiers: Orphanet 154, MedGen C1858763, MONDO:0011400, OMIM 604145.
Autosomal recessive limb-girdle muscular dystrophy type 2J (LGMDR10). Also called: Limb-girdle muscular dystrophy, type 2J; MUSCULAR DYSTROPHY, LIMB-GIRDLE, AUTOSOMAL RECESSIVE 10. Identifiers: Orphanet 140922, MedGen C1837342, MONDO:0012127, OMIM 608807.

Submission:

Labcorp Genetics (formerly Invitae), Labcorp
Classification: Uncertain significance for Dilated cardiomyopathy 1G; Autosomal recessive limb-girdle muscular dystrophy type 2J. Last evaluated: 2025-02-05. Review status: criteria provided, single submitter. Criteria: Invitae Variant Classification Sherloc (09022015). Collection method: clinical testing. Allele origin: germline.
Comment: This sequence change replaces alanine, which is neutral and non-polar, with valine, which is neutral and non-polar, at codon 34192 of the TTN protein (p.Ala34192Val). This variant is not present in population databases (gnomAD no frequency). This variant has not been reported in the literature in individuals affected with TTN-related conditions. ClinVar contains an entry for this variant (Variation ID: 1017800). Experimental studies and prediction algorithms are not available or were not evaluated, and the functional significance of this variant is currently unknown. This variant is located in the M band of TTN (PMID: 25589632). Non-truncating variants in this region may be relevant for neuromuscular disorders, but have not been definitively shown to cause cardiomyopathy (PMID: 23975875). In summary, the available evidence is currently insufficient to determine the role of this variant in disease. Therefore, it has been classified as a Variant of Uncertain Significance.

Literature cited by the submitters: PubMed 25589632; PubMed 23975875.